The following is an entry in ClinVar:

ClinVar aggregate classification (germline): Uncertain significance. Review status: criteria provided, multiple submitters, no conflicts (2 of 4 stars). 2 submissions from 2 submitters: Uncertain significance (2). Last evaluated 2024-02-19.

Conditions:
Fanconi anemia (FA). Also called: Fanconi's anemia. Identifiers: Orphanet 84, MedGen C0015625, MeSH D005199, MONDO:0019391.
Fanconi anemia complementation group I (FANCI). Also called: FANCI-Related Fanconi Anemia. Identifiers: Orphanet 84, MedGen C1836861, MONDO:0012186, OMIM 609053.

Allele frequency attached by ClinVar (database versions not stated): TOPMed below 0.00001; ExAC 0.00001; gnomAD 0.00001; ESP Exome Variant Server 0.00008.
gnomAD v4.1: 22 of 1,613,992 alleles (0.0014%); highest among the groups gnomAD compares: Non-Finnish European, 0.0019%; no homozygotes.

Submissions (2):

Fulgent Genetics
Classification: Uncertain significance for Fanconi anemia complementation group I. Last evaluated: 2024-02-19. Review status: criteria provided, single submitter. Criteria: ACMG Guidelines, 2015. Collection method: clinical testing. Allele origin: germline.

Labcorp Genetics (formerly Invitae), Labcorp
Classification: Uncertain significance for Fanconi anemia. Last evaluated: 2023-12-13. Review status: criteria provided, single submitter. Criteria: Invitae Variant Classification Sherloc (09022015). Collection method: clinical testing. Allele origin: germline.
Comment: This sequence change replaces arginine, which is basic and polar, with histidine, which is basic and polar, at codon 265 of the FANCI protein (p.Arg265His). This variant is present in population databases (rs375652309, gnomAD 0.0009%). This variant has not been reported in the literature in individuals affected with FANCI-related conditions. ClinVar contains an entry for this variant (Variation ID: 1039818). Advanced modeling of protein sequence and biophysical properties (such as structural, functional, and spatial information, amino acid conservation, physicochemical variation, residue mobility, and thermodynamic stability) performed at Invitae indicates that this missense variant is not expected to disrupt FANCI protein function with a negative predictive value of 80%. In summary, the available evidence is currently insufficient to determine the role of this variant in disease. Therefore, it has been classified as a Variant of Uncertain Significance.

NM_001113378.2(FANCI):c.794G>A (p.Arg265His)

Gene: FANCI (FA complementation group I; plus strand). Cytogenetic location: 15q26.1.
Variant type: single nucleotide variant.
Coding change: c.794G>A on transcript NM_001113378.2 (MANE Select); coding-DNA position 794, G replaced by A.
Protein change: p.Arg265His; replaces arginine 265 with histidine.
Molecular consequence: missense variant.
Genome position (GRCh38, 1-based): chr15:89,268,437, G>A. VCF-style: chr15-89268437-G-A. GRCh37 (hg19) VCF-style: chr15-89811668-G-A.
Other names: c.515G>A, p.Arg172His (NM_001376910.1); c.794G>A, p.Arg265His (NM_001376911.1, NM_018193.3); short protein forms R172H, R265H.
Identifiers: ClinVar variation 1039818 (VCV001039818.8), dbSNP rs375652309, ClinGen allele CA7722771.